The following is an entry in ClinVar:

NM_007294.4(BRCA1):c.4571C>G (p.Ser1524Cys)

Gene: BRCA1 (BRCA1 DNA repair associated; minus strand). Cytogenetic location: 17q21.31.
Variant type: single nucleotide variant.
Coding change: c.4571C>G on transcript NM_007294.4 (MANE Select); coding-DNA position 4571, C replaced by G.
Protein change: p.Ser1524Cys; replaces serine 1524 with cysteine.
Molecular consequence: missense variant. On other transcripts: non-coding transcript variant (1).
Genome position (GRCh38, 1-based): chr17:43,074,435, G>C on the plus strand (C>G on the coding strand, the complement: BRCA1 is on the minus strand). VCF-style: chr17-43074435-G-C. GRCh37 (hg19) VCF-style: chr17-41226452-G-C.
Other names: c.4568C>G, p.Ser1523Cys (NM_001407611.1, NM_001407619.1, NM_001407616.1 and 17 more transcripts); c.4448C>G, p.Ser1483Cys (NM_001407919.1, NM_001407664.1, NM_001407665.1 and 6 more transcripts); c.4307C>G, p.Ser1436Cys (NM_001407920.1, NM_001407923.1, NM_001407924.1 and 4 more transcripts); c.4358C>G, p.Ser1453Cys (NM_001407571.1, NM_001407894.1, NM_001407895.1 and 12 more transcripts); c.4637C>G, p.Ser1546Cys (NM_001407581.1, NM_001407582.1); c.4634C>G, p.Ser1545Cys (NM_001407583.1, NM_001407585.1, NM_001407587.1 and 1 more transcripts); c.4631C>G, p.Ser1544Cys (NM_001407590.1, NM_001407591.1); c.4571C>G, p.Ser1524Cys (NM_001407593.1, NM_001407594.1, NM_001407596.1 and 8 more transcripts); and 68 more; short protein forms S1524C, S1477C, S420C, S1545C, S1397C, S1413C, S1435C, S1475C.
Identifiers: ClinVar variation 441520 (VCV000441520.6), dbSNP rs1555581944, ClinGen allele CA10592371.

ClinVar aggregate classification (germline): Uncertain significance (1 of 4 stars; one submission).

Conditions:
Hereditary cancer-predisposing syndrome. Also called: Hereditary Cancer Syndrome; Hereditary neoplastic syndrome; Neoplastic Syndromes, Hereditary; Tumor predisposition. Identifiers: Orphanet 140162, MedGen C0027672, MeSH D009386, MONDO:0015356.

Submission:

Ambry Genetics
Classification: Uncertain significance for Hereditary cancer-predisposing syndrome. Last evaluated: 2023-10-22. Review status: criteria provided, single submitter. Criteria: Ambry Variant Classification Scheme 2023. Collection method: clinical testing. Allele origin: germline.
Comment: The p.S1524C variant (also known as c.4571C>G), located in coding exon 13 of the BRCA1 gene, results from a C to G substitution at nucleotide position 4571. The serine at codon 1524 is replaced by cysteine, an amino acid with dissimilar properties. This variant was not reported in population based cohorts in the following databases: Database of Single Nucleotide Polymorphisms (dbSNP), NHLBI Exome Sequencing Project (ESP), and 1000 Genomes Project. In the ESP, this variant was not observed in 6503 samples (13006 alleles) with coverage at this position. To date, this alteration has been detected with an allele frequency of approximately 0.0004% (greater than 225000 alleles tested) in our clinical cohort. This amino acid position is not well conserved in available vertebrate species. In addition, the in silico prediction for this alteration is inconclusive. Since supporting evidence is limited at this time, the clinical significance of this alteration remains unclear.